The following is an entry in ClinVar:

ClinVar aggregate classification (germline): Benign/Likely benign. Review status: criteria provided, multiple submitters, no conflicts (2 of 4 stars). 6 submissions from 6 submitters: Benign (1); Likely benign (4). 1 of the submissions does not count toward it. Last evaluated 2026-01-26.

Conditions:
SMAD4-related disorder. Also called: SMAD4-related condition; SMAD4-Related disorders.
Juvenile polyposis syndrome (JPS). Identifiers: Orphanet 2929, MedGen C0345893, MONDO:0017380, OMIM 174900.
Hereditary cancer-predisposing syndrome. Also called: Neoplastic Syndromes, Hereditary; Hereditary Cancer Syndrome; Hereditary neoplastic syndrome; Tumor predisposition. Identifiers: Orphanet 140162, MedGen C0027672, MeSH D009386, MONDO:0015356.
Familial thoracic aortic aneurysm and aortic dissection (TAAD). Also called: Thoracic aortic aneurysms and dissections. Identifiers: Orphanet 91387, MedGen C4707243, MONDO:0019625.
Juvenile polyposis/hereditary hemorrhagic telangiectasia syndrome (JPHT). Also called: POLYPOSIS, GENERALIZED JUVENILE, WITH PULMONARY ARTERIOVENOUS MALFORMATION; TELANGIECTASIA, HEREDITARY HEMORRHAGIC, WITH JUVENILE POLYPOSIS COLI; Juvenile Polyposis Syndrome / Hereditary Hemorrhagic Telangiectasia (JPS/HHT); JP/HHT SYNDROME; JUVENILE POLYPOSIS WITH HEREDITARY HEMORRHAGIC TELANGIECTASIA. Identifiers: Orphanet 2929, MedGen C1832942, MONDO:0008278, OMIM 175050.

Allele frequency attached by ClinVar (database versions not stated): gnomAD exomes below 0.00001 and 0.00001; gnomAD 0.00001; ExAC 0.00002; TOPMed 0.00002; ESP Exome Variant Server 0.00008.
gnomAD v4.1: 4 of 1,613,854 alleles (0.00025%); highest among the groups gnomAD compares: African/African-American, 0.004%; no homozygotes.

Submissions (6):

Labcorp Genetics (formerly Invitae), Labcorp
Classification: Likely benign for Juvenile polyposis syndrome. Last evaluated: 2026-01-26. Review status: criteria provided, single submitter. Criteria: Invitae Variant Classification Sherloc (09022015). Collection method: clinical testing. Allele origin: germline.

Myriad Genetics, Inc.
Classification: Benign for Juvenile polyposis/hereditary hemorrhagic telangiectasia syndrome. Last evaluated: 2025-03-19. Review status: criteria provided, single submitter. Criteria: Myriad Autosomal Dominant, Autosomal Recessive and X-Linked Classification Criteria (2023). Collection method: clinical testing. Allele origin: unknown.
Comment: This variant is considered benign. This variant is a silent/synonymous amino acid change and it is not expected to impact splicing.

Color Diagnostics, LLC DBA Color Health
Classification: Likely benign for Hereditary cancer-predisposing syndrome. Last evaluated: 2022-11-06. Review status: criteria provided, single submitter. Criteria: ACMG Guidelines, 2015. Collection method: clinical testing. Allele origin: germline.

Ambry Genetics
Classification: Likely benign for Hereditary cancer-predisposing syndrome; Familial thoracic aortic aneurysm and aortic dissection. Last evaluated: 2018-09-05. Review status: criteria provided, single submitter. Criteria: Ambry Variant Classification Scheme 2023. Collection method: clinical testing. Allele origin: germline.

ARUP Laboratories, Molecular Genetics and Genomics, ARUP Laboratories
Classification: Likely benign. Last evaluated: 2018-03-22. Review status: criteria provided, single submitter. Criteria: ARUP Molecular Germline Variant Investigation Process. Collection method: clinical testing. Allele origin: germline.
Comment: The SMAD4 c.525A>G; p.Glu175Glu variant (rs368528856) is not reported in the medical literature or in gene-specific databases. The variant is listed as likely benign in the ClinVar database (Variation ID: 460556). This variant is found in the African population with an overall allele frequency of 0.2% (3/15304 alleles) in the Genome Aggregation Database. This is a synonymous change, the nucleotide is not conserved, and computational algorithms do not predict a significant change to splicing (Alamut v.2.11). Considering available information, this variant is classified as likely benign.

PreventionGenetics, part of Exact Sciences
Classification: Likely benign for SMAD4-related condition. Last evaluated: 2022-10-05. Review status: no assertion criteria provided. Collection method: clinical testing. Allele origin: germline. Not counted in ClinVar's aggregate classification.
Comment: This variant is classified as likely benign based on ACMG/AMP sequence variant interpretation guidelines (Richards et al. 2015 PMID: 25741868, with internal and published modifications).

NM_005359.6(SMAD4):c.525A>G (p.Glu175=)

Gene: SMAD4 (SMAD family member 4; plus strand). Cytogenetic location: 18q21.2.
Variant type: single nucleotide variant.
Coding change: c.525A>G on transcript NM_005359.6 (MANE Select); coding-DNA position 525, A replaced by G.
Protein change: p.Glu175=; no amino-acid change (glutamic acid 175 retained).
Molecular consequence: synonymous variant.
Genome position (GRCh38, 1-based): chr18:51,054,851, A>G. VCF-style: chr18-51054851-A-G. GRCh37 (hg19) VCF-style: chr18-48581221-A-G.
Identifiers: ClinVar variation 460556 (VCV000460556.27), dbSNP rs368528856, ClinGen allele CA8965827.
Genomic context (GRCh38, chr18:51,054,851, plus strand): 5'-TATGATGGTGAAGGATGAATATGTGCATGACTTTGAGGGACAGCCATCGTTGTCCACTGA[A>G]GGACATTCAATTCAAACCATCCAGCATCCACCAAGTAATCGTGCATCGACAGAGACATAC-3'
Protein context (NP_005350.1, residues 165-185): DFEGQPSLST[Glu175=]GHSIQTIQHP